The following is an entry in ClinVar:

NM_001111.5(ADAR):c.1158C>T (p.Asn386=)

Gene: ADAR (adenosine deaminase RNA specific; minus strand). Cytogenetic location: 1q21.3.
Variant type: single nucleotide variant.
Coding change: c.1158C>T on transcript NM_001111.5 (MANE Select); coding-DNA position 1158, C replaced by T.
Protein change: p.Asn386=; no amino-acid change (asparagine 386 retained).
Molecular consequence: synonymous variant.
Genome position (GRCh38, 1-based): chr1:154,601,484, G>A on the plus strand (C>T on the coding strand, the complement: ADAR is on the minus strand). VCF-style: chr1-154601484-G-A. GRCh37 (hg19) VCF-style: chr1-154573960-G-A.
Other names: c.273C>T, p.Asn91= (NM_001025107.3, NM_001193495.2, NM_001365046.1 and 3 more transcripts); c.1185C>T, p.Asn395= (NM_001365045.1); c.1158C>T, p.Asn386= (NM_015840.4, NM_015841.4).
Identifiers: ClinVar variation 1597319 (VCV001597319.33), dbSNP rs752276168, ClinGen allele CA1131578.

ClinVar aggregate classification (germline): Likely benign. Review status: criteria provided, multiple submitters, no conflicts (2 of 4 stars). 3 submissions from 3 submitters: Likely benign (3). Last evaluated 2026-02-01.

Conditions:
Aicardi-Goutieres syndrome 6 (AGS6). Identifiers: Orphanet 51, MedGen C3539013, MONDO:0014007, OMIM 615010.
Symmetrical dyschromatosis of extremities (DSH). Also called: RETICULATE ACROPIGMENTATION OF DOHI; SYMMETRIC DYSCHROMATOSIS OF THE EXTREMITIES; DYSCHROMATOSIS SYMMETRICA HEREDITARIA 1; Dyschromatosis symmetrica hereditaria. Identifiers: Orphanet 41, MedGen C0406775, MONDO:0007483, OMIM 127400.

Allele frequency attached by ClinVar (database versions not stated): TOPMed below 0.00001; gnomAD 0.00001; gnomAD exomes 0.00001 and 0.00002; ExAC 0.00002.
gnomAD v4.1: 25 of 1,613,990 alleles (0.0015%); highest among the groups gnomAD compares: Middle Eastern, 0.016%; no homozygotes.

Submissions (3):

CeGaT Center for Human Genetics Tuebingen
Classification: Likely benign. Last evaluated: 2026-02-01. Review status: criteria provided, single submitter. Criteria: CeGaT Center For Human Genetics Tuebingen Variant Classification Criteria Version 2. Collection method: clinical testing. Allele origin: germline. Affected: yes. Observed: 2 variant alleles.
Comment: ADAR: BP4, BP7

Labcorp Genetics (formerly Invitae), Labcorp
Classification: Likely benign for Aicardi-Goutieres syndrome 6; Symmetrical dyschromatosis of extremities. Last evaluated: 2025-09-23. Review status: criteria provided, single submitter. Criteria: Invitae Variant Classification Sherloc (09022015). Collection method: clinical testing. Allele origin: germline.

Blueprint Genetics
Classification: Likely benign. Last evaluated: 2022-04-04. Review status: criteria provided, single submitter. Criteria: ACMG Guidelines, 2015. Collection method: clinical testing. Allele origin: germline.